The following is an entry in ClinVar:

ClinVar aggregate classification (germline): Uncertain significance (1 of 4 stars; one submission).

Conditions:
GTP cyclohydrolase I deficiency. Identifiers: MedGen C0268467, MONDO:0100184.
Dystonia 5 (DRD). Also called: DYSTONIA, PROGRESSIVE, WITH DIURNAL VARIATION; DYSTONIA-PARKINSONISM WITH DIURNAL FLUCTUATION; Dystonia, DOPA-responsive, with or without hyperphenylalaninemia; DYT-GCH1; GTP Cyclohydrolase 1-Deficient Dopa-Responsive Dystonia. Identifiers: Orphanet 98808, MedGen C1851920, MONDO:0007495, OMIM 128230.

Allele frequency attached by ClinVar (database versions not stated): gnomAD 0.00001.
gnomAD v4.1: 1 of 1,611,724 alleles (0.000062%); highest among the groups gnomAD compares: Non-Finnish European, 0.000085%; no homozygotes.

Submission:

Labcorp Genetics (formerly Invitae), Labcorp
Classification: Uncertain significance for GTP cyclohydrolase I deficiency; Dystonia 5. Last evaluated: 2023-09-17. Review status: criteria provided, single submitter. Criteria: Invitae Variant Classification Sherloc (09022015). Collection method: clinical testing. Allele origin: germline.
Comment: This sequence change replaces aspartic acid, which is acidic and polar, with asparagine, which is neutral and polar, at codon 63 of the GCH1 protein (p.Asp63Asn). This variant is present in population databases (no rsID available, gnomAD 0.007%). This variant has not been reported in the literature in individuals affected with GCH1-related conditions. Advanced modeling of protein sequence and biophysical properties (such as structural, functional, and spatial information, amino acid conservation, physicochemical variation, residue mobility, and thermodynamic stability) performed at Invitae indicates that this missense variant is not expected to disrupt GCH1 protein function. In summary, the available evidence is currently insufficient to determine the role of this variant in disease. Therefore, it has been classified as a Variant of Uncertain Significance.

NM_000161.3(GCH1):c.187G>A (p.Asp63Asn)

Gene: GCH1 (GTP cyclohydrolase 1; minus strand). Cytogenetic location: 14q22.2.
Variant type: single nucleotide variant.
Coding change: c.187G>A on transcript NM_000161.3 (MANE Select); coding-DNA position 187, G replaced by A.
Protein change: p.Asp63Asn; replaces aspartic acid 63 with asparagine.
Molecular consequence: missense variant.
Genome position (GRCh38, 1-based): chr14:54,902,477, C>T on the plus strand (G>A on the coding strand, the complement: GCH1 is on the minus strand). VCF-style: chr14-54902477-C-T. GRCh37 (hg19) VCF-style: chr14-55369195-C-T.
Other names: c.187G>A, p.Asp63Asn (NM_001424104.1, NM_001024024.2, NM_001024070.2 and 1 more transcripts); short protein forms D63N.
Identifiers: ClinVar variation 2952005 (VCV002952005.3), dbSNP rs1404198001, ClinGen allele CA389794019.